The following is an entry in ClinVar:

NM_000384.3(APOB):c.13484T>A (p.Phe4495Tyr)

Gene: APOB (apolipoprotein B; minus strand). Cytogenetic location: 2p24.1.
Variant type: single nucleotide variant.
Coding change: c.13484T>A on transcript NM_000384.3 (MANE Select); coding-DNA position 13484, T replaced by A.
Protein change: p.Phe4495Tyr; replaces phenylalanine 4495 with tyrosine.
Molecular consequence: missense variant.
Genome position (GRCh38, 1-based): chr2:21,001,938, A>T on the plus strand (T>A on the coding strand, the complement: APOB is on the minus strand). VCF-style: chr2-21001938-A-T. GRCh37 (hg19) VCF-style: chr2-21224810-A-T.
Other names: short protein forms F4495Y.
Identifiers: ClinVar variation 3416353 (VCV003416353.1).

ClinVar aggregate classification (germline): Uncertain significance (1 of 4 stars; one submission).

Conditions:
Cardiovascular phenotype. Identifiers: MedGen CN230736.

Submission:

Ambry Genetics
Classification: Uncertain significance for Cardiovascular phenotype. Last evaluated: 2024-11-05. Review status: criteria provided, single submitter. Criteria: Ambry Variant Classification Scheme 2023. Collection method: clinical testing. Allele origin: germline.
Comment: The p.F4495Y variant (also known as c.13484T>A), located in coding exon 29 of the APOB gene, results from a T to A substitution at nucleotide position 13484. The phenylalanine at codon 4495 is replaced by tyrosine, an amino acid with highly similar properties. This amino acid position is conserved. In addition, this alteration is predicted to be tolerated by in silico analysis. Based on the available evidence, the clinical significance of this variant remains unclear.